The following is an entry in ClinVar:

NM_000939.4(POMC):c.557G>A (p.Arg186Gln)

Gene: POMC (proopiomelanocortin; minus strand). Cytogenetic location: 2p23.3.
Variant type: single nucleotide variant.
Coding change: c.557G>A on transcript NM_000939.4 (MANE Select); coding-DNA position 557, G replaced by A.
Protein change: p.Arg186Gln; replaces arginine 186 with glutamine.
Molecular consequence: missense variant.
Genome position (GRCh38, 1-based): chr2:25,161,328, C>T on the plus strand (G>A on the coding strand, the complement: POMC is on the minus strand). VCF-style: chr2-25161328-C-T. GRCh37 (hg19) VCF-style: chr2-25384197-C-T.
Other names: c.557G>A, p.Arg186Gln (NM_001035256.3, NM_001319204.2, NM_001319205.2); c.557G>A (NM_000939.3); short protein forms R186Q.
Identifiers: ClinVar variation 1984779 (VCV001984779.7), dbSNP rs758527241, ClinGen allele CA1555276.

ClinVar aggregate classification (germline): Uncertain significance. Review status: criteria provided, multiple submitters, no conflicts (2 of 4 stars). 2 submissions from 2 submitters: Uncertain significance (2). Last evaluated 2025-10-25.

Conditions:
POMC-related disorder. Also called: POMC-related condition; POMC-related disorders.

gnomAD v4.1: 6 of 1,606,618 alleles (0.00037%); highest among the groups gnomAD compares: Admixed American, 0.0085%; no homozygotes.

Submissions (2):

PreventionGenetics, part of Exact Sciences
Classification: Uncertain significance for POMC-related condition. Last evaluated: 2025-10-25. Review status: criteria provided, single submitter. Criteria: ACMG Guidelines, 2015. Collection method: clinical testing. Allele origin: germline.
Comment: The POMC c.557G>A variant is predicted to result in the amino acid substitution p.Arg186Gln. his variant was observed in a cohort of individuals with obesity, and in vitro functional studies showed this variant did not reduce protein function and could cause increased function (Supplemental Data Set 3, Shah et al. 2023. PubMed ID: 36864747). This variant is reported in 0.015% of alleles in individuals of Latino descent in gnomAD. At this time, the clinical significance of this variant is uncertain due to the absence of conclusive functional and genetic evidence.

Labcorp Genetics (formerly Invitae), Labcorp
Classification: Uncertain significance. Last evaluated: 2022-08-25. Review status: criteria provided, single submitter. Criteria: Invitae Variant Classification Sherloc (09022015). Collection method: clinical testing. Allele origin: germline.
Comment: In summary, the available evidence is currently insufficient to determine the role of this variant in disease. Therefore, it has been classified as a Variant of Uncertain Significance. Algorithms developed to predict the effect of missense changes on protein structure and function are either unavailable or do not agree on the potential impact of this missense change (SIFT: "Not Available"; PolyPhen-2: "Benign"; Align-GVGD: "Not Available"). This variant has not been reported in the literature in individuals affected with POMC-related conditions. This variant is present in population databases (rs758527241, gnomAD 0.02%). This sequence change replaces arginine, which is basic and polar, with glutamine, which is neutral and polar, at codon 186 of the POMC protein (p.Arg186Gln).